The following is an entry in ClinVar:

ClinVar aggregate classification (germline): Uncertain significance. Review status: criteria provided, multiple submitters, no conflicts (2 of 4 stars). 2 submissions from 2 submitters: Uncertain significance (2). Last evaluated 2025-06-23.

Conditions:
Cardiomyopathy (CMYO). Also called: Cardiomyopathies. Identifiers: Orphanet 167848, MedGen C0878544, MONDO:0004994, HP:0001638. Inheritance: Various modes of inheritance.
Arrhythmogenic right ventricular dysplasia 9 (ARVD9). Also called: Arrhythmogenic Right Ventricular Dysplasia/Cardiomyopathy 9; ARRHYTHMOGENIC RIGHT VENTRICULAR DYSPLASIA, FAMILIAL, 9. Identifiers: MedGen C1836906, MONDO:0012180, OMIM 609040.

Allele frequency attached by ClinVar (database versions not stated): gnomAD 0.00001; gnomAD exomes below 0.00001; TOPMed 0.00001; ExAC 0.00002; ESP Exome Variant Server 0.00008.
gnomAD v4.1: 3 of 1,613,864 alleles (0.00019%); highest among the groups gnomAD compares: African/African-American, 0.0013%; no homozygotes.

Submissions (2):

Color Diagnostics, LLC DBA Color Health
Classification: Uncertain significance for Cardiomyopathy. Last evaluated: 2025-06-23. Review status: criteria provided, single submitter. Criteria: ACMG Guidelines, 2015. Collection method: clinical testing. Allele origin: germline.
Comment: This missense variant replaces alanine with valine at codon 285 of the PKP2 protein. Computational prediction suggests that this variant may not impact protein structure and function. To our knowledge, functional studies have not been reported for this variant. This variant has not been reported in individuals affected with PKP2-related disorders in the literature. This variant has been identified in 1/251006 chromosomes in the general population by the Genome Aggregation Database (gnomAD). The available evidence is insufficient to determine the role of this variant in disease conclusively. Therefore, this variant is classified as a Variant of Uncertain Significance.

Labcorp Genetics (formerly Invitae), Labcorp
Classification: Uncertain significance for Arrhythmogenic right ventricular dysplasia 9. Last evaluated: 2022-03-08. Review status: criteria provided, single submitter. Criteria: Invitae Variant Classification Sherloc (09022015). Collection method: clinical testing. Allele origin: germline.
Comment: Algorithms developed to predict the effect of missense changes on protein structure and function (SIFT, PolyPhen-2, Align-GVGD) all suggest that this variant is likely to be tolerated. ClinVar contains an entry for this variant (Variation ID: 533040). This variant has not been reported in the literature in individuals affected with PKP2-related conditions. This variant is present in population databases (rs372664096, gnomAD 0.007%). This sequence change replaces alanine, which is neutral and non-polar, with valine, which is neutral and non-polar, at codon 285 of the PKP2 protein (p.Ala285Val). In summary, the available evidence is currently insufficient to determine the role of this variant in disease. Therefore, it has been classified as a Variant of Uncertain Significance.

NM_001005242.3(PKP2):c.854C>T (p.Ala285Val)

Gene: PKP2 (plakophilin 2; minus strand). Cytogenetic location: 12p11.21.
Variant type: single nucleotide variant.
Coding change: c.854C>T on transcript NM_001005242.3 (MANE Select); coding-DNA position 854, C replaced by T.
Protein change: p.Ala285Val; replaces alanine 285 with valine.
Molecular consequence: missense variant.
Genome position (GRCh38, 1-based): chr12:32,878,026, G>A on the plus strand (C>T on the coding strand, the complement: PKP2 is on the minus strand). VCF-style: chr12-32878026-G-A. GRCh37 (hg19) VCF-style: chr12-33030960-G-A.
Other names: c.854C>T, p.Ala285Val (NM_004572.4); short protein forms A285V.
Identifiers: ClinVar variation 533040 (VCV000533040.7), dbSNP rs372664096, ClinGen allele CA039193.